The following is an entry in ClinVar:

ClinVar aggregate classification (germline): Conflicting classifications of pathogenicity. Review status: criteria provided, conflicting classifications (1 of 4 stars). 3 submissions from 3 submitters: Uncertain significance (2); Likely benign (1). Last evaluated 2023-03-23.

Conditions:
Hereditary cancer-predisposing syndrome. Also called: Neoplastic Syndromes, Hereditary; Tumor predisposition; Hereditary Cancer Syndrome; Hereditary neoplastic syndrome. Identifiers: Orphanet 140162, MedGen C0027672, MeSH D009386, MONDO:0015356.

Submissions (3):

University of Washington Department of Laboratory Medicine, University of Washington
Classification: Likely benign for Hereditary cancer-predisposing syndrome. Last evaluated: 2023-03-23. Review status: criteria provided, single submitter. Criteria: Dines et al. (Genet Med. 2020). Collection method: curation. Allele origin: germline.
Comment: Missense variant in a coldspot region where missense variants are very unlikely to be pathogenic (PMID:31911673).

BRCA2 exon 10 coldspot. Reclassification based on statistical prior probability.

Ambry Genetics
Classification: Uncertain significance for Hereditary cancer-predisposing syndrome. Last evaluated: 2021-05-24. Review status: criteria provided, single submitter. Criteria: Ambry Variant Classification Scheme 2023. Collection method: clinical testing. Allele origin: germline.
Comment: The p.K589R variant (also known as c.1766A>G), located in coding exon 9 of the BRCA2 gene, results from an A to G substitution at nucleotide position 1766. The lysine at codon 589 is replaced by arginine, an amino acid with highly similar properties. This amino acid position is well conserved in available vertebrate species. In addition, this alteration is predicted to be tolerated by in silico analysis. Since supporting evidence is limited at this time, the clinical significance of this alteration remains unclear.

Color Diagnostics, LLC DBA Color Health
Classification: Uncertain significance for Hereditary cancer-predisposing syndrome. Last evaluated: 2019-06-06. Review status: criteria provided, single submitter. Criteria: ACMG Guidelines, 2015. Collection method: clinical testing. Allele origin: germline.

NM_000059.4(BRCA2):c.1766A>G (p.Lys589Arg)

Gene: BRCA2 (BRCA2 DNA repair associated; plus strand). Cytogenetic location: 13q13.1.
Variant type: single nucleotide variant.
Coding change: c.1766A>G on transcript NM_000059.4 (MANE Select); coding-DNA position 1766, A replaced by G.
Protein change: p.Lys589Arg; replaces lysine 589 with arginine.
Molecular consequence: missense variant.
Genome position (GRCh38, 1-based): chr13:32,333,244, A>G. VCF-style: chr13-32333244-A-G. GRCh37 (hg19) VCF-style: chr13-32907381-A-G.
Other names: short protein forms K589R.
Identifiers: ClinVar variation 918322 (VCV000918322.6), dbSNP rs2072421535, ClinGen allele CA387765612.